The following is an entry in ClinVar:

ClinVar aggregate classification (germline): Uncertain significance (1 of 4 stars; one submission).

Submission:

CeGaT Center for Human Genetics Tuebingen
Classification: Uncertain significance. Last evaluated: 2022-07-01. Review status: criteria provided, single submitter. Criteria: CeGaT Center For Human Genetics Tuebingen Variant Classification Criteria Version 2. Collection method: clinical testing. Allele origin: germline. Affected: yes. Observed: 1 variant allele.
Comment: DMD: PM2, BP4

NM_004006.3(DMD):c.1102A>G (p.Ile368Val)

Gene: DMD (dystrophin; minus strand). Cytogenetic location: Xp21.1.
Variant type: single nucleotide variant.
Coding change: c.1102A>G on transcript NM_004006.3 (MANE Select); coding-DNA position 1102, A replaced by G.
Protein change: p.Ile368Val; replaces isoleucine 368 with valine.
Molecular consequence: missense variant.
Genome position (GRCh38, 1-based): chrX:32,645,011, T>C on the plus strand (A>G on the coding strand, the complement: DMD is on the minus strand). VCF-style: chrX-32645011-T-C. GRCh37 (hg19) VCF-style: chrX-32663128-T-C.
Other names: c.1078A>G, p.Ile360Val (NM_000109.4); c.1090A>G, p.Ile364Val (NM_004009.3); c.733A>G, p.Ile245Val (NM_004010.3); short protein forms I245V, I360V, I364V, I368V.
Identifiers: ClinVar variation 2660251 (VCV002660251.24), dbSNP rs2146833049, ClinGen allele CA412661847.